The following is an entry in ClinVar:

ClinVar aggregate classification (germline): Uncertain significance. Review status: criteria provided, multiple submitters, no conflicts (2 of 4 stars). 3 submissions from 3 submitters: Uncertain significance (3). Last evaluated 2025-08-07.

Conditions:
Oculootoradial syndrome (IVIC). Also called: RADIAL RAY DEFECTS, HEARING IMPAIRMENT, EXTERNAL OPHTHALMOPLEGIA, AND THROMBOCYTOPENIA; IVIC syndrome. Identifiers: Orphanet 2307, MedGen C1327918, MONDO:0007836, OMIM 147750.
Duane-radial ray syndrome (DRRS). Also called: DR SYNDROME; ACRORENOOCULAR SYNDROME; DUANE ANOMALY WITH RADIAL RAY ABNORMALITIES AND DEAFNESS; Duane-Radial Ray Syndrome/Okihiro Syndrome; Duane-Radial Ray Syndrome (DRRS) / Okihiro Syndrome; Okihiro Syndrome. Identifiers: Orphanet 93293, Orphanet 959, MedGen C1623209, MONDO:0011812, OMIM 607323. Disease mechanism: gain of function.
Inborn genetic diseases. Identifiers: MedGen C0950123, MeSH D030342.

Allele frequency attached by ClinVar (database versions not stated): gnomAD exomes 0.00001; TOPMed 0.00003.
gnomAD v4.1: 19 of 1,614,050 alleles (0.0012%); highest among the groups gnomAD compares: Admixed American, 0.0067%; no homozygotes.

Submissions (3):

Ambry Genetics
Classification: Uncertain significance for Inborn genetic diseases. Last evaluated: 2025-08-07. Review status: criteria provided, single submitter. Criteria: Ambry Variant Classification Scheme 2023. Collection method: clinical testing. Allele origin: germline.

Labcorp Genetics (formerly Invitae), Labcorp
Classification: Uncertain significance for Duane-radial ray syndrome. Last evaluated: 2024-10-16. Review status: criteria provided, single submitter. Criteria: Invitae Variant Classification Sherloc (09022015). Collection method: clinical testing. Allele origin: germline.
Comment: This sequence change replaces aspartic acid, which is acidic and polar, with glycine, which is neutral and non-polar, at codon 199 of the SALL4 protein (p.Asp199Gly). This variant is present in population databases (no rsID available, gnomAD 0.003%). This variant has not been reported in the literature in individuals affected with SALL4-related conditions. ClinVar contains an entry for this variant (Variation ID: 2062452). An algorithm developed to predict the effect of missense changes on protein structure and function (PolyPhen-2) suggests that this variant is likely to be disruptive. In summary, the available evidence is currently insufficient to determine the role of this variant in disease. Therefore, it has been classified as a Variant of Uncertain Significance.

Fulgent Genetics
Classification: Uncertain significance for Oculootoradial syndrome; Duane-radial ray syndrome. Last evaluated: 2024-03-25. Review status: criteria provided, single submitter. Criteria: ACMG Guidelines, 2015. Collection method: clinical testing. Allele origin: germline.

NM_020436.5(SALL4):c.596A>G (p.Asp199Gly)

Gene: SALL4 (spalt like transcription factor 4; minus strand). Cytogenetic location: 20q13.2.
Variant type: single nucleotide variant.
Coding change: c.596A>G on transcript NM_020436.5 (MANE Select); coding-DNA position 596, A replaced by G.
Protein change: p.Asp199Gly; replaces aspartic acid 199 with glycine.
Molecular consequence: missense variant.
Genome position (GRCh38, 1-based): chr20:51,791,887, T>C on the plus strand (A>G on the coding strand, the complement: SALL4 is on the minus strand). VCF-style: chr20-51791887-T-C. GRCh37 (hg19) VCF-style: chr20-50408426-T-C.
Other names: c.596A>G, p.Asp199Gly (NM_001318031.2); short protein forms D199G.
Identifiers: ClinVar variation 2062452 (VCV002062452.6), dbSNP rs577900421, ClinGen allele CA315375103.